The following is an entry in ClinVar:

NM_000090.4(COL3A1):c.578C>T (p.Ser193Phe)

Gene: COL3A1 (collagen type III alpha 1 chain; plus strand). Cytogenetic location: 2q32.2.
Variant type: single nucleotide variant.
Coding change: c.578C>T on transcript NM_000090.4 (MANE Select); coding-DNA position 578, C replaced by T.
Protein change: p.Ser193Phe; replaces serine 193 with phenylalanine.
Molecular consequence: missense variant.
Genome position (GRCh38, 1-based): chr2:188,988,130, C>T. VCF-style: chr2-188988130-C-T. GRCh37 (hg19) VCF-style: chr2-189852856-C-T.
Other names: short protein forms S193F.
Identifiers: ClinVar variation 923265 (VCV000923265.4), dbSNP rs374532486, ClinGen allele CA076708.
Genomic context (GRCh38, chr2:188,988,130, plus strand): 5'-TCACATTCCAGGGCCCCCCAGGCCCTCCCGGTCCCCCTGGTACATCTGGTCATCCTGGTT[C>T]CCCTGTAAGTATAGCCATTGGTGGTGTTTTCTTCCTCATTTTTAGAAAAATCAAATTAAT-3'
Protein context (NP_000081.2, residues 183-203): GPPGTSGHPG[Ser193Phe]PGSPGYQGPP

ClinVar aggregate classification (germline): Uncertain significance. Review status: criteria provided, multiple submitters, no conflicts (2 of 4 stars). 2 submissions from 2 submitters: Uncertain significance (2). Last evaluated 2024-07-15.

Conditions:
Familial thoracic aortic aneurysm and aortic dissection (TAAD). Also called: Thoracic aortic aneurysms and dissections. Identifiers: Orphanet 91387, MedGen C4707243, MONDO:0019625.

Allele frequency attached by ClinVar (database versions not stated): gnomAD exomes below 0.00001; TOPMed below 0.00001; ExAC 0.00001; gnomAD 0.00001; ESP Exome Variant Server 0.00008.
gnomAD v4.1: 1 of 1,611,990 alleles (0.000062%); highest among the groups gnomAD compares: Non-Finnish European, 0.000085%; no homozygotes.

Submissions (2):

GeneDx
Classification: Uncertain significance. Last evaluated: 2024-07-15. Review status: criteria provided, single submitter. Criteria: GeneDx Variant Classification Process June 2021. Collection method: clinical testing. Allele origin: germline. Affected: yes.
Comment: Has not been previously published as pathogenic or benign to our knowledge; Not observed at significant frequency in large population cohorts (gnomAD); Occurs in the triple helical domain at the X position in the canonical Gly-X-Y repeat; although this variant may have an effect on normal protein folding and function, missense substitution at the X position is not a common mechanism of disease (HGMD); In silico analysis supports that this missense variant has a deleterious effect on protein structure/function

Color Diagnostics, LLC DBA Color Health
Classification: Uncertain significance for Familial thoracic aortic aneurysm and aortic dissection. Last evaluated: 2018-12-11. Review status: criteria provided, single submitter. Criteria: ACMG Guidelines, 2015. Collection method: clinical testing. Allele origin: germline.
Comment: Variant of Uncertain Significance due to insufficient evidence: This missense variant is located in the triple-helical region of the COL3A1 protein. Computational prediction tools and conservation analyses are inconclusive regarding the impact of this variant on the protein function. Computational splicing tools suggest that this variant may not impact RNA splicing. To our knowledge, functional assays have not been performed for this variant nor has this variant been reported in individuals affected with cardiovascular disorders in the literature. This variant has been identified in 1/245704 chromosomes in the general population by the Genome Aggregation Database (gnomAD). Available evidence is insufficient to determine the pathogenicity of this variant conclusively.